The following is an entry in ClinVar:

ClinVar aggregate classification (germline): Pathogenic/Likely pathogenic. Review status: criteria provided, multiple submitters, no conflicts (2 of 4 stars). 5 submissions from 5 submitters: Pathogenic (3); Likely pathogenic (2). Last evaluated 2024-08-02.

Conditions:
Glucose-6-phosphate transport defect (GSD1B). Also called: Glycogen Storage Disease Type Ib; GSD Ib. Identifiers: Orphanet 364, Orphanet 79259, MedGen C0268146, MONDO:0009288, OMIM 232220.

Allele frequency attached by ClinVar (database versions not stated): gnomAD exomes below 0.00001; gnomAD 0.00001; ExAC 0.00003.

Submissions (5):

Natera, Inc.
Classification: Pathogenic for Glycogen storage disease type Ib. Last evaluated: 2024-08-02. Review status: criteria provided, single submitter. Criteria: Natera Variant Classification Schema (03/2026). Collection method: clinical testing. Allele origin: germline.
Comment: The c.381+2T>G variant in SLC37A4 is a canonical splice donor site variant predicted to affect pre-mRNA splicing, which may result in an abnormal transcript and altered protein product. This variant is expected to result in nonsense mediated decay, truncation, or a dysfunctional protein product. This variant is rare in the general population with a frequency below the threshold expected for the associated phenotype(s). This variant has been observed in one or more individuals affected with the associated recessive disease, as either homozygous or compound heterozygous with a second variant (PMID: 10940311). Another variant at this same site results in an alteration predicted to cause a similar molecular effect has been observed in individual(s) with the associated phenotype. Given the available evidence, this variant is classified as Pathogenic.

Labcorp Genetics (formerly Invitae), Labcorp
Classification: Pathogenic for Glucose-6-phosphate transport defect. Last evaluated: 2023-10-25. Review status: criteria provided, single submitter. Criteria: Invitae Variant Classification Sherloc (09022015). Collection method: clinical testing. Allele origin: germline.
Comment: This sequence change affects a donor splice site in intron 4 of the SLC37A4 gene. It is expected to disrupt RNA splicing. Variants that disrupt the donor or acceptor splice site typically lead to a loss of protein function (PMID: 16199547), and loss-of-function variants in SLC37A4 are known to be pathogenic (PMID: 9758626, 10940311). The frequency data for this variant in the population databases is considered unreliable, as metrics indicate poor data quality at this position in the gnomAD database. Disruption of this splice site has been observed in individual(s) with autosomal recessive glycogen storage disease type Ib (PMID: 10482962). In at least one individual the data is consistent with being in trans (on the opposite chromosome) from a pathogenic variant. This variant is also known as c.550+2(T→G) . ClinVar contains an entry for this variant (Variation ID: 633418). Algorithms developed to predict the effect of sequence changes on RNA splicing suggest that this variant may disrupt the consensus splice site. For these reasons, this variant has been classified as Pathogenic.

Baylor Genetics
Classification: Pathogenic for Glucose-6-phosphate transport defect. Last evaluated: 2022-11-03. Review status: criteria provided, single submitter. Criteria: ACMG Guidelines, 2015. Collection method: clinical testing. Allele origin: unknown.

Institute of Medical Genetics and Applied Genomics, University Hospital Tübingen
Classification: Likely pathogenic. Last evaluated: 2020-10-23. Review status: criteria provided, single submitter. Criteria: ACMG Guidelines, 2015. Collection method: clinical testing. Allele origin: germline. Inheritance: Unknown mechanism. Affected: yes.

Women's Health and Genetics/Laboratory Corporation of America, LabCorp
Classification: Likely pathogenic for Glucose-6-phosphate transport defect. Last evaluated: 2018-05-21. Review status: criteria provided, single submitter. Criteria: LabCorp Variant Classification Summary - May 2015. Collection method: clinical testing. Allele origin: germline.
Comment: Variant summary: SLC37A4 c.381+2T>G is located in a canonical splice-site and is predicted to affect mRNA splicing resulting in a significantly altered protein due to either exon skipping, shortening, or inclusion of intronic material. Several computational tools predict a significant impact on normal splicing: Five predict the variant abolishes a 5' splicing donor site. However, these predictions have yet to be confirmed by functional studies. The variant allele was found at a frequency of 3.2e-05 in 30900 control chromosomes (gnomAD). To our knowledge, no occurrence of c.381+2T>G in individuals affected with Glycogen Storage Disease Type Ib and no experimental evidence demonstrating its impact on protein function have been reported. No clinical diagnostic laboratories have submitted clinical-significance assessments for this variant to ClinVar after 2014. Based on the evidence outlined above, the variant was classified as likely pathogenic

Literature cited by the submitters: PubMed 10940311 (cited by Natera, Inc. and Labcorp Genetics (formerly Invitae), Labcorp); PubMed 16199547 (cited by Labcorp Genetics (formerly Invitae), Labcorp); PubMed 9758626 (cited by Labcorp Genetics (formerly Invitae), Labcorp); PubMed 10482962 (cited by Labcorp Genetics (formerly Invitae), Labcorp); PubMed 24745989 (cited by Women's Health and Genetics/Laboratory Corporation of America, LabCorp).

NM_001164277.2(SLC37A4):c.381+2T>G

Gene: SLC37A4 (solute carrier family 37 member 4; minus strand). Cytogenetic location: 11q23.3.
Variant type: single nucleotide variant.
Coding change: c.381+2T>G on transcript NM_001164277.2 (MANE Select); the canonical splice donor site of the intron after coding-DNA position 381, T replaced by G.
Molecular consequence: splice donor variant.
Genome position (GRCh38, 1-based): chr11:119,028,192, A>C on the plus strand (T>G on the coding strand, the complement: SLC37A4 is on the minus strand). VCF-style: chr11-119028192-A-C. GRCh37 (hg19) VCF-style: chr11-118898902-A-C.
Other names: c.162+2T>G (NM_001164279.2); c.381+2T>G (NM_001467.6, NM_001164278.2, NM_001164280.2).
Identifiers: ClinVar variation 633418 (VCV000633418.8), dbSNP rs782645078, ClinGen allele CA6311854.